The following is an entry in ClinVar:

NM_004380.3(CREBBP):c.5750C>T (p.Ser1917Leu)

Gene: CREBBP (CREB binding lysine acetyltransferase; minus strand). Cytogenetic location: 16p13.3.
Variant type: single nucleotide variant.
Coding change: c.5750C>T on transcript NM_004380.3 (MANE Select); coding-DNA position 5750, C replaced by T.
Protein change: p.Ser1917Leu; replaces serine 1917 with leucine.
Molecular consequence: missense variant.
Genome position (GRCh38, 1-based): chr16:3,729,297, G>A on the plus strand (C>T on the coding strand, the complement: CREBBP is on the minus strand). VCF-style: chr16-3729297-G-A. GRCh37 (hg19) VCF-style: chr16-3779298-G-A.
Other names: c.5636C>T, p.Ser1879Leu (NM_001079846.1); short protein forms S1879L, S1917L.
Identifiers: ClinVar variation 4807921 (VCV004807921.1).
Genomic context (GRCh38, chr16:3,729,297, plus strand): 5'-TTCCCTGTGGACACCGTGGTGGGGGGCTGAGTCCGGGCCACGCTGGGGAAGCCAGCTGGT[G>A]ACATGCTCACGGGTGAGGGTTGGGGCTGGGCAGGGGGCTGCGGCGTCTGGGGTGTGCTGG-3'
Protein context (NP_004371.2, residues 1907-1927): AQPQPSPVSM[Ser1917Leu]PAGFPSVART

ClinVar aggregate classification (germline): Uncertain significance (1 of 4 stars; one submission).

Conditions:
Rubinstein-Taybi syndrome (RSTS). Identifiers: Orphanet 783, MedGen C0035934, MONDO:0019188.

Submission:

Labcorp Genetics (formerly Invitae), Labcorp
Classification: Uncertain significance for Rubinstein-Taybi syndrome. Last evaluated: 2025-11-12. Review status: criteria provided, single submitter. Criteria: Invitae Variant Classification Sherloc (09022015). Collection method: clinical testing. Allele origin: germline.
Comment: This sequence change replaces serine, which is neutral and polar, with leucine, which is neutral and non-polar, at codon 1917 of the CREBBP protein (p.Ser1917Leu). This variant is not present in population databases (gnomAD no frequency). This variant has not been reported in the literature in individuals affected with CREBBP-related conditions. Invitae Evidence Modeling of protein sequence and biophysical properties (such as structural, functional, and spatial information, amino acid conservation, physicochemical variation, residue mobility, and thermodynamic stability) indicates that this missense variant is not expected to disrupt CREBBP protein function with a negative predictive value of 95%. In summary, the available evidence is currently insufficient to determine the role of this variant in disease. Therefore, it has been classified as a Variant of Uncertain Significance.